The following is an entry in ClinVar:

NM_031935.3(HMCN1):c.5632T>A (p.Ser1878Thr)

Gene: HMCN1 (hemicentin 1; plus strand). Cytogenetic location: 1q31.1.
Variant type: single nucleotide variant.
Coding change: c.5632T>A on transcript NM_031935.3 (MANE Select); coding-DNA position 5632, T replaced by A.
Protein change: p.Ser1878Thr; replaces serine 1878 with threonine.
Molecular consequence: missense variant.
Genome position (GRCh38, 1-based): chr1:186,023,036, T>A. VCF-style: chr1-186023036-T-A. GRCh37 (hg19) VCF-style: chr1-185992168-T-A.
Other names: short protein forms S1878T.
Identifiers: ClinVar variation 2695682 (VCV002695682.3), dbSNP rs1038571182, ClinGen allele CA33458891.

ClinVar aggregate classification (germline): Uncertain significance (1 of 4 stars; one submission).

Allele frequency attached by ClinVar (database versions not stated): TOPMed below 0.00001; gnomAD exomes 0.00001.
gnomAD v4.1: 3 of 1,613,378 alleles (0.00019%); highest among the groups gnomAD compares: Non-Finnish European, 0.00025%; no homozygotes.

Submission:

Labcorp Genetics (formerly Invitae), Labcorp
Classification: Uncertain significance. Last evaluated: 2023-11-21. Review status: criteria provided, single submitter. Criteria: Invitae Variant Classification Sherloc (09022015). Collection method: clinical testing. Allele origin: germline.
Comment: This sequence change replaces serine, which is neutral and polar, with threonine, which is neutral and polar, at codon 1878 of the HMCN1 protein (p.Ser1878Thr). This variant is not present in population databases (gnomAD no frequency). This variant has not been reported in the literature in individuals affected with HMCN1-related conditions. An algorithm developed to predict the effect of missense changes on protein structure and function (PolyPhen-2) suggests that this variant is likely to be disruptive. In summary, the available evidence is currently insufficient to determine the role of this variant in disease. Therefore, it has been classified as a Variant of Uncertain Significance.